The following is an entry in ClinVar:

ClinVar aggregate classification (germline): Uncertain significance (1 of 4 stars; one submission).

Submission:

Labcorp Genetics (formerly Invitae), Labcorp
Classification: Uncertain significance. Last evaluated: 2025-02-07. Review status: criteria provided, single submitter. Criteria: Invitae Variant Classification Sherloc (09022015). Collection method: clinical testing. Allele origin: germline.
Comment: This sequence change replaces threonine, which is neutral and polar, with proline, which is neutral and non-polar, at codon 417 of the OPA1 protein (p.Thr417Pro). This variant is not present in population databases (gnomAD no frequency). This variant has not been reported in the literature in individuals affected with OPA1-related conditions. Invitae Evidence Modeling of protein sequence and biophysical properties (such as structural, functional, and spatial information, amino acid conservation, physicochemical variation, residue mobility, and thermodynamic stability) indicates that this missense variant is not expected to disrupt OPA1 protein function with a negative predictive value of 80%. In summary, the available evidence is currently insufficient to determine the role of this variant in disease. Therefore, it has been classified as a Variant of Uncertain Significance.

NM_130837.3(OPA1):c.1414A>C (p.Thr472Pro)

Gene: OPA1 (OPA1 mitochondrial dynamin like GTPase; plus strand). Cytogenetic location: 3q29.
Variant type: single nucleotide variant.
Coding change: c.1414A>C on transcript NM_130837.3 (MANE Select); coding-DNA position 1414, A replaced by C.
Protein change: p.Thr472Pro; replaces threonine 472 with proline.
Molecular consequence: missense variant.
Genome position (GRCh38, 1-based): chr3:193,643,564, A>C. VCF-style: chr3-193643564-A-C. GRCh37 (hg19) VCF-style: chr3-193361353-A-C.
Other names: c.880A>C, p.Thr294Pro (NM_001354663.2); c.877A>C, p.Thr293Pro (NM_001354664.2); c.1249A>C, p.Thr417Pro (NM_015560.3); c.1141A>C, p.Thr381Pro (NM_130831.3); c.1195A>C, p.Thr399Pro (NM_130832.3); c.1252A>C, p.Thr418Pro (NM_130833.3); c.1303A>C, p.Thr435Pro (NM_130834.3); c.1306A>C, p.Thr436Pro (NM_130835.3); and 1 more; short protein forms T381P, T454P, T294P, T418P, T436P, T472P, T293P, T399P.
Identifiers: ClinVar variation 4739842 (VCV004739842.1).